The following is an entry in ClinVar:

NM_002226.5(JAG2):c.3358C>T (p.Arg1120Trp)

Gene: JAG2 (jagged canonical Notch ligand 2; minus strand). Cytogenetic location: 14q32.33.
Variant type: single nucleotide variant.
Coding change: c.3358C>T on transcript NM_002226.5 (MANE Select); coding-DNA position 3358, C replaced by T.
Protein change: p.Arg1120Trp; replaces arginine 1120 with tryptophan.
Molecular consequence: missense variant.
Genome position (GRCh38, 1-based): chr14:105,143,054, G>A on the plus strand (C>T on the coding strand, the complement: JAG2 is on the minus strand). VCF-style: chr14-105143054-G-A. GRCh37 (hg19) VCF-style: chr14-105609391-G-A.
Other names: p.Arg1120Trp; c.3244C>T, p.Arg1082Trp (NM_145159.3); short protein forms R1082W, R1120W.
Identifiers: ClinVar variation 3380246 (VCV003380246.1).
Genomic context (GRCh38, chr14:105,143,054, plus strand): 5'-GCTCAATGGGGTTGCGGATGGGGTTGAGCGGGGCCCACTGGTTGTTGGCGCTCTCCTCCC[G>A]CGGCAGCCGGCTCCTCTCCCGCTCTTTCCTGCGCTTGCGTGTCCACCACACGCACAGGAC-3'
Protein context (NP_002217.3, residues 1110-1130): RKERERSRLP[Arg1120Trp]EESANNQWAP

ClinVar aggregate classification (germline): Uncertain significance (1 of 4 stars; one submission).

gnomAD v4.1: 26 of 1,602,410 alleles (0.0016%); highest among the groups gnomAD compares: African/African-American, 0.0027%; no homozygotes.

Submission:

Mayo Clinic Laboratories, Mayo Clinic
Classification: Uncertain significance. Last evaluated: 2023-06-14. Review status: criteria provided, single submitter. Criteria: ACMG Guidelines, 2015. Collection method: clinical testing. Allele origin: germline. Observed: 1 variant allele.
Comment: PM2_moderate